The following is an entry in ClinVar:

NM_004991.4(MECOM):c.1043A>G (p.His348Arg)

Gene: MECOM (MDS1 and EVI1 complex locus; minus strand). Cytogenetic location: 3q26.2.
Variant type: single nucleotide variant.
Coding change: c.1043A>G on transcript NM_004991.4 (MANE Select); coding-DNA position 1043, A replaced by G.
Protein change: p.His348Arg; replaces histidine 348 with arginine.
Molecular consequence: missense variant.
Genome position (GRCh38, 1-based): chr3:169,121,145, T>C on the plus strand (A>G on the coding strand, the complement: MECOM is on the minus strand). VCF-style: chr3-169121145-T-C. GRCh37 (hg19) VCF-style: chr3-168838933-T-C.
Other names: c.674A>G, p.His225Arg (NM_001105077.4); c.479A>G, p.His160Arg (NM_001105078.4, NM_001164000.2, NM_001205194.2 and 5 more transcripts); c.482A>G, p.His161Arg (NM_001163999.2, NM_001366467.2, NM_001366468.2 and 1 more transcripts); c.1043A>G, p.His348Arg (NM_001366466.2, NM_001366473.2); short protein forms H160R, H161R, H225R, H348R.
Identifiers: ClinVar variation 3871774 (VCV003871774.1).

ClinVar aggregate classification (germline): Uncertain significance (1 of 4 stars; one submission).

Conditions:
Inborn genetic diseases. Identifiers: MedGen C0950123, MeSH D030342.

Submission:

Ambry Genetics
Classification: Uncertain significance for Inborn genetic diseases. Last evaluated: 2025-01-31. Review status: criteria provided, single submitter. Criteria: Ambry Variant Classification Scheme 2023. Collection method: clinical testing. Allele origin: germline.
Comment: The p.H348R variant (also known as c.1043A>G), located in coding exon 7 of the MECOM gene, results from an A to G substitution at nucleotide position 1043. The histidine at codon 348 is replaced by arginine, an amino acid with highly similar properties. This amino acid position is conserved. In addition, this alteration is predicted to be deleterious by in silico analysis. Based on the available evidence, the clinical significance of this variant remains unclear.